The following is an entry in ClinVar:

ClinVar aggregate classification (germline): Uncertain significance. Review status: criteria provided, multiple submitters, no conflicts (2 of 4 stars). 2 submissions from 2 submitters: Uncertain significance (2). Last evaluated 2024-02-29.

Allele frequency attached by ClinVar (database versions not stated): ExAC 0.00001; gnomAD exomes 0.00001.
gnomAD v4.1: 3 of 1,211,468 alleles (0.00025%); highest among the groups gnomAD compares: South Asian, 0.0053%; no homozygotes.

Submissions (2):

GeneDx
Classification: Uncertain significance. Last evaluated: 2024-02-29. Review status: criteria provided, single submitter. Criteria: GeneDx Variant Classification Process June 2021. Collection method: clinical testing. Allele origin: germline. Affected: yes.
Comment: Not observed at significant frequency in large population cohorts (gnomAD); In silico analysis supports a deleterious effect on splicing; Has not been previously published as pathogenic or benign to our knowledge

CeGaT Center for Human Genetics Tuebingen
Classification: Uncertain significance. Last evaluated: 2023-11-01. Review status: criteria provided, single submitter. Criteria: CeGaT Center For Human Genetics Tuebingen Variant Classification Criteria Version 2. Collection method: clinical testing. Allele origin: germline. Affected: yes. Observed: 1 variant allele.
Comment: MAOA: PM2, PP3

NM_000240.4(MAOA):c.1262+3A>G

Gene: MAOA (monoamine oxidase A; plus strand). Cytogenetic location: Xp11.3.
Variant type: single nucleotide variant.
Coding change: c.1262+3A>G on transcript NM_000240.4 (MANE Select); 3 bases into the intron after coding-DNA position 1262, A replaced by G.
Molecular consequence: intron variant.
Genome position (GRCh38, 1-based): chrX:43,742,050, A>G. VCF-style: chrX-43742050-A-G. GRCh37 (hg19) VCF-style: chrX-43601297-A-G.
Other names: c.863+3A>G (NM_001270458.2).
Identifiers: ClinVar variation 2660358 (VCV002660358.25), dbSNP rs757773248, ClinGen allele CA10390937.
Genomic context (GRCh38, chrX:43,742,050, plus strand): 5'-ACTCTGGGGGCTGCTACACGGCCTACTTCCCTCCTGGGATCATGACTCAATATGGAAGGT[A>G]TTACGCAAGCACTACGCCAATTAATCCAAGACCTGTGCCAAATTTAAAAGGAAAAGCAGA-3'